The following is an entry in ClinVar:

NM_006567.5(FARS2):c.668G>A (p.Arg223His)

Gene: FARS2 (phenylalanyl-tRNA synthetase 2, mitochondrial; plus strand). Cytogenetic location: 6p25.1.
Variant type: single nucleotide variant.
Coding change: c.668G>A on transcript NM_006567.5 (MANE Select); coding-DNA position 668, G replaced by A.
Protein change: p.Arg223His; replaces arginine 223 with histidine.
Molecular consequence: missense variant. On other transcripts: 5 prime UTR variant (2).
Genome position (GRCh38, 1-based): chr6:5,404,597, G>A. VCF-style: chr6-5404597-G-A. GRCh37 (hg19) VCF-style: chr6-5404830-G-A.
Other names: c.668G>A, p.Arg223His (NM_001318872.2, NM_001374875.1, NM_001374876.1 and 5 more transcripts); c.-29G>A (NM_001375259.1, NM_001375260.1); short protein forms R223H.
Identifiers: ClinVar variation 999183 (VCV000999183.7), dbSNP rs770650914, ClinGen allele CA3623707.

ClinVar aggregate classification (germline): Uncertain significance (1 of 4 stars; one submission).

Conditions:
Combined oxidative phosphorylation defect type 14. Also called: Combined oxidative phosphorylation deficiency 14. Identifiers: Orphanet 319519, MedGen C4755312, MONDO:0013986, OMIM 614946.

Allele frequency attached by ClinVar (database versions not stated): ExAC 0.00001; gnomAD 0.00001; TOPMed 0.00002.
gnomAD v4.1: 17 of 1,611,152 alleles (0.0011%); highest among the groups gnomAD compares: South Asian, 0.0011%; no homozygotes.

Submission:

Labcorp Genetics (formerly Invitae), Labcorp
Classification: Uncertain significance for Combined oxidative phosphorylation defect type 14. Last evaluated: 2021-09-29. Review status: criteria provided, single submitter. Criteria: Invitae Variant Classification Sherloc (09022015). Collection method: clinical testing. Allele origin: germline.
Comment: This sequence change replaces arginine with histidine at codon 223 of the FARS2 protein (p.Arg223His). The arginine residue is moderately conserved and there is a small physicochemical difference between arginine and histidine. This variant is present in population databases (rs770650914, ExAC 0.006%). This variant has not been reported in the literature in individuals affected with FARS2-related conditions. Algorithms developed to predict the effect of missense changes on protein structure and function are either unavailable or do not agree on the potential impact of this missense change (SIFT: "Tolerated"; PolyPhen-2: "Probably Damaging"; Align-GVGD: "Class C0"). In summary, the available evidence is currently insufficient to determine the role of this variant in disease. Therefore, it has been classified as a Variant of Uncertain Significance.